The following is an entry in ClinVar:

NM_001330700.2(TOP2B):c.1854A>G (p.Glu618=)

Gene: TOP2B (DNA topoisomerase II beta; minus strand). Cytogenetic location: 3p24.2.
Variant type: single nucleotide variant.
Coding change: c.1854A>G on transcript NM_001330700.2 (MANE Select); coding-DNA position 1854, A replaced by G.
Protein change: p.Glu618=; no amino-acid change (glutamic acid 618 retained).
Molecular consequence: synonymous variant.
Genome position (GRCh38, 1-based): chr3:25,628,899, T>C on the plus strand (A>G on the coding strand, the complement: TOP2B is on the minus strand). VCF-style: chr3-25628899-T-C. GRCh37 (hg19) VCF-style: chr3-25670390-T-C.
Other names: c.1839A>G, p.Glu613= (NM_001068.3).
Identifiers: ClinVar variation 3239232 (VCV003239232.19), dbSNP rs2470350009.

ClinVar aggregate classification (germline): Likely benign (1 of 4 stars; one submission).

Submission:

CeGaT Center for Human Genetics Tuebingen
Classification: Likely benign. Last evaluated: 2024-05-01. Review status: criteria provided, single submitter. Criteria: CeGaT Center For Human Genetics Tuebingen Variant Classification Criteria Version 2. Collection method: clinical testing. Allele origin: germline. Affected: yes. Observed: 1 variant allele.
Comment: TOP2B: PM2:Supporting, BP4, BP7